The following is an entry in ClinVar:

ClinVar aggregate classification (germline): Uncertain significance (1 of 4 stars; one submission).

Submission:

GeneDx
Classification: Uncertain significance. Last evaluated: 2025-03-12. Review status: criteria provided, single submitter. Criteria: GeneDx Variant Classification Process June 2021. Collection method: clinical testing. Allele origin: germline. Affected: yes.
Comment: Not observed at significant frequency in large population cohorts (gnomAD); In silico analysis supports that this missense variant has a deleterious effect on protein structure/function; Has not been previously published as pathogenic or benign to our knowledge

NM_032217.5(ANKRD17):c.3299A>T (p.Gln1100Leu)

Gene: ANKRD17 (ankyrin repeat domain 17; minus strand). Cytogenetic location: 4q13.3.
Variant type: single nucleotide variant.
Coding change: c.3299A>T on transcript NM_032217.5 (MANE Select); coding-DNA position 3299, A replaced by T.
Protein change: p.Gln1100Leu; replaces glutamine 1100 with leucine.
Molecular consequence: missense variant.
Genome position (GRCh38, 1-based): chr4:73,125,248, T>A on the plus strand (A>T on the coding strand, the complement: ANKRD17 is on the minus strand). VCF-style: chr4-73125248-T-A. GRCh37 (hg19) VCF-style: chr4-73990965-T-A.
Other names: c.2960A>T, p.Gln987Leu (NM_001286771.3); c.3296A>T, p.Gln1099Leu (NM_015574.2); c.2546A>T, p.Gln849Leu (NM_198889.3); short protein forms Q1099L, Q1100L, Q849L, Q987L.
Identifiers: ClinVar variation 4083148 (VCV004083148.1).